The following is an entry in ClinVar:

ClinVar aggregate classification (germline): Uncertain significance. Review status: criteria provided, multiple submitters, no conflicts (2 of 4 stars). 7 submissions from 7 submitters: Uncertain significance (7). Last evaluated 2025-12-14.

Conditions:
Hereditary cancer-predisposing syndrome. Also called: Hereditary neoplastic syndrome; Tumor predisposition; Neoplastic Syndromes, Hereditary; Hereditary Cancer Syndrome. Identifiers: Orphanet 140162, MedGen C0027672, MeSH D009386, MONDO:0015356.
Endometrial carcinoma. Also called: Endometrial carcinoma, somatic. Identifiers: MedGen C0476089, MONDO:0002447, OMIM 608089, HP:0012114.

Allele frequency attached by ClinVar (database versions not stated): gnomAD 0.00002 and 0.00003; TOPMed 0.00002; ESP Exome Variant Server 0.00008; gnomAD exomes 0.00001.
gnomAD v4.1: 25 of 1,611,822 alleles (0.0016%); highest among the groups gnomAD compares: Non-Finnish European, 0.0019%; no homozygotes.

Submissions (7):

Labcorp Genetics (formerly Invitae), Labcorp
Classification: Uncertain significance. Last evaluated: 2025-12-14. Review status: criteria provided, single submitter. Criteria: Invitae Variant Classification Sherloc (09022015). Collection method: clinical testing. Allele origin: germline.
Comment: This sequence change replaces isoleucine, which is neutral and non-polar, with threonine, which is neutral and polar, at codon 712 of the MSH3 protein (p.Ile712Thr). This variant is present in population databases (rs369015749, gnomAD 0.004%). This variant has not been reported in the literature in individuals affected with MSH3-related conditions. ClinVar contains an entry for this variant (Variation ID: 654462). An algorithm developed to predict the effect of missense changes on protein structure and function (PolyPhen-2) suggests that this variant is likely to be disruptive. In summary, the available evidence is currently insufficient to determine the role of this variant in disease. Therefore, it has been classified as a Variant of Uncertain Significance.

Ambry Genetics
Classification: Uncertain significance for Hereditary cancer-predisposing syndrome. Last evaluated: 2025-08-01. Review status: criteria provided, single submitter. Criteria: Ambry Variant Classification Scheme 2023. Collection method: clinical testing. Allele origin: germline.
Comment: The p.I712T variant (also known as c.2135T>C), located in coding exon 15 of the MSH3 gene, results from a T to C substitution at nucleotide position 2135. The isoleucine at codon 712 is replaced by threonine, an amino acid with similar properties. This amino acid position is well conserved in available vertebrate species. In addition, the in silico prediction for this alteration is inconclusive. Since supporting evidence is limited at this time, the clinical significance of this alteration remains unclear.

GeneDx
Classification: Uncertain significance. Last evaluated: 2024-04-29. Review status: criteria provided, single submitter. Criteria: GeneDx Variant Classification Process June 2021. Collection method: clinical testing. Allele origin: germline. Affected: yes.
Comment: Not observed at significant frequency in large population cohorts (gnomAD); In silico analysis supports that this missense variant has a deleterious effect on protein structure/function; Has not been previously published as pathogenic or benign to our knowledge

Baylor Genetics
Classification: Uncertain significance for Endometrial carcinoma. Last evaluated: 2024-01-22. Review status: criteria provided, single submitter. Criteria: ACMG Guidelines, 2015. Collection method: clinical testing. Allele origin: unknown.

Quest Diagnostics Nichols Institute San Juan Capistrano
Classification: Uncertain significance. Last evaluated: 2023-06-09. Review status: criteria provided, single submitter. Criteria: Quest Diagnostics criteria. Collection method: clinical testing. Allele origin: unknown.
Comment: This variant has not been reported in the published literature. The frequency of this variant in the general population, 0.000044 (5/113224 chromosomes (Genome Aggregation Database)), is uninformative in the assessment of its pathogenicity. Analysis of this variant using bioinformatics tools for the prediction of the effect of amino acid changes on protein structure and function yielded predictions that this variant is damaging. Based on the available information, we are unable to determine the clinical significance of this variant.

Institute for Clinical Genetics, University Hospital TU Dresden, University Hospital TU Dresden
Classification: Uncertain significance. Last evaluated: 2021-11-03. Review status: criteria provided, single submitter. Criteria: ACMG Guidelines, 2015. Collection method: clinical testing. Allele origin: germline.

Sema4
Classification: Uncertain significance for Hereditary cancer-predisposing syndrome. Last evaluated: 2021-07-20. Review status: criteria provided, single submitter. Criteria: Sema4 Curation Guidelines. Collection method: curation. Allele origin: germline.
Comment: The MSH3 c.2135T>C (p.I712T) variant has not been reported in the literature to our knowledge. It was observed in 5/113224 chromosomes of the Non-Finnish European subpopulation, with no homozygotes, in the large and broad cohorts of the Genome Aggregation Database (PMID: 32461654). The variant has been reported in ClinVar (Variation ID 654462). Functional studies have not been performed, and in silico predictions of the variant's effect on protein function are inconclusive. The evidence is insufficient to meet ACMG/AMP criteria for classifying the variant as benign or pathogenic. Thus, the clinical significance of this variant is currently uncertain.

NM_002439.5(MSH3):c.2135T>C (p.Ile712Thr)

Gene: MSH3 (mutS homolog 3; plus strand). Cytogenetic location: 5q14.1.
Variant type: single nucleotide variant.
Coding change: c.2135T>C on transcript NM_002439.5 (MANE Select); coding-DNA position 2135, T replaced by C.
Protein change: p.Ile712Thr; replaces isoleucine 712 with threonine.
Molecular consequence: missense variant.
Genome position (GRCh38, 1-based): chr5:80,768,885, T>C. VCF-style: chr5-80768885-T-C. GRCh37 (hg19) VCF-style: chr5-80064704-T-C.
Other names: short protein forms I712T.
Identifiers: ClinVar variation 654462 (VCV000654462.21), dbSNP rs369015749, ClinGen allele CA3328144.